The following is an entry in ClinVar:

NM_012452.3(TNFRSF13B):c.40C>G (p.Arg14Gly)

Gene: TNFRSF13B (TNF receptor superfamily member 13B; minus strand). Cytogenetic location: 17p11.2.
Variant type: single nucleotide variant.
Coding change: c.40C>G on transcript NM_012452.3 (MANE Select); coding-DNA position 40, C replaced by G.
Protein change: p.Arg14Gly; replaces arginine 14 with glycine.
Molecular consequence: missense variant.
Genome position (GRCh38, 1-based): chr17:16,972,036, G>C on the plus strand (C>G on the coding strand, the complement: TNFRSF13B is on the minus strand). VCF-style: chr17-16972036-G-C. GRCh37 (hg19) VCF-style: chr17-16875350-G-C.
Other names: short protein forms R14G.
Identifiers: ClinVar variation 2165080 (VCV002165080.5), dbSNP rs370503383, ClinGen allele CA8414160.

ClinVar aggregate classification (germline): Uncertain significance. Review status: criteria provided, multiple submitters, no conflicts (2 of 4 stars). 2 submissions from 2 submitters: Uncertain significance (2). Last evaluated 2024-09-24.

Conditions:
Immunodeficiency, common variable, 2 (CVID2). Also called: ANTIBODY DEFICIENCY DUE TO TACI DEFECT; HYPOGAMMAGLOBULINEMIA DUE TO TACI DEFICIENCY. Identifiers: Orphanet 1572, MedGen C3150354, MONDO:0009413, OMIM 240500.
Inborn genetic diseases. Identifiers: MedGen C0950123, MeSH D030342.

Submissions (2):

Ambry Genetics
Classification: Uncertain significance for Inborn genetic diseases. Last evaluated: 2024-09-24. Review status: criteria provided, single submitter. Criteria: Ambry Variant Classification Scheme 2023. Collection method: clinical testing. Allele origin: germline.

Labcorp Genetics (formerly Invitae), Labcorp
Classification: Uncertain significance for Immunodeficiency, common variable, 2. Last evaluated: 2023-11-27. Review status: criteria provided, single submitter. Criteria: Invitae Variant Classification Sherloc (09022015). Collection method: clinical testing. Allele origin: germline.
Comment: This sequence change replaces arginine, which is basic and polar, with glycine, which is neutral and non-polar, at codon 14 of the TNFRSF13B protein (p.Arg14Gly). This variant is present in population databases (rs370503383, gnomAD 0.006%). This variant has not been reported in the literature in individuals affected with TNFRSF13B-related conditions. ClinVar contains an entry for this variant (Variation ID: 2165080). Advanced modeling of protein sequence and biophysical properties (such as structural, functional, and spatial information, amino acid conservation, physicochemical variation, residue mobility, and thermodynamic stability) has been performed at Invitae for this missense variant, however the output from this modeling did not meet the statistical confidence thresholds required to predict the impact of this variant on TNFRSF13B protein function. In summary, the available evidence is currently insufficient to determine the role of this variant in disease. Therefore, it has been classified as a Variant of Uncertain Significance.